The following is an entry in ClinVar:

ClinVar aggregate classification (germline): Likely benign (1 of 4 stars; one submission).

Allele frequency attached by ClinVar (database versions not stated): gnomAD exomes 0.00003; gnomAD 0.00005; TOPMed 0.00005; 1000 Genomes Project 30x 0.00016; 1000 Genomes Project 0.00020; ExAC 0.00028.
gnomAD v4.1: 51 of 1,509,508 alleles (0.0034%); highest among the groups gnomAD compares: South Asian, 0.022%; no homozygotes.

Submission:

CeGaT Center for Human Genetics Tuebingen
Classification: Likely benign. Last evaluated: 2023-02-01. Review status: criteria provided, single submitter. Criteria: CeGaT Center For Human Genetics Tuebingen Variant Classification Criteria Version 2. Collection method: clinical testing. Allele origin: germline. Affected: yes. Observed: 1 variant allele.
Comment: AP4S1: BP4

NM_001128126.3(AP4S1):c.307-4G>A

Gene: AP4S1 (adaptor related protein complex 4 subunit sigma 1; plus strand). Cytogenetic location: 14q12.
Variant type: single nucleotide variant.
Coding change: c.307-4G>A on transcript NM_001128126.3 (MANE Select); 4 bases into the intron before coding-DNA position 307, G replaced by A.
Molecular consequence: intron variant.
Genome position (GRCh38, 1-based): chr14:31,092,903, G>A. VCF-style: chr14-31092903-G-A. GRCh37 (hg19) VCF-style: chr14-31562109-G-A.
Other names: c.307-4G>A (NM_001254729.2, NM_001254728.2).
Identifiers: ClinVar variation 2644154 (VCV002644154.24), dbSNP rs190110220, ClinGen allele CA7144321.